The following is an entry in ClinVar:

NM_000059.4(BRCA2):c.8297C>T (p.Thr2766Ile)

Gene: BRCA2 (BRCA2 DNA repair associated; plus strand). Cytogenetic location: 13q13.1.
Variant type: single nucleotide variant.
Coding change: c.8297C>T on transcript NM_000059.4 (MANE Select); coding-DNA position 8297, C replaced by T.
Protein change: p.Thr2766Ile; replaces threonine 2766 with isoleucine.
Molecular consequence: missense variant.
Genome position (GRCh38, 1-based): chr13:32,363,499, C>T. VCF-style: chr13-32363499-C-T. GRCh37 (hg19) VCF-style: chr13-32937636-C-T.
Other names: short protein forms T2766I.
Identifiers: ClinVar variation 531246 (VCV000531246.9), dbSNP rs1555287077, ClinGen allele CA387750154.
Genomic context (GRCh38, chr13:32,363,499, plus strand): 5'-CAGTTGGTCAGAAGATTATTCTTCATGGAGCAGAACTGGTGGGCTCTCCTGATGCCTGTA[C>T]ACCTCTTGAAGCCCCAGAATCTCTTATGTTAAAGGTAAATTAATTTGCACTCTTGGTAAA-3'
Protein context (NP_000050.3, residues 2756-2776): AELVGSPDAC[Thr2766Ile]PLEAPESLML

ClinVar aggregate classification (germline): Uncertain significance (1 of 4 stars; one submission).

Conditions:
Hereditary breast ovarian cancer syndrome. Also called: Hereditary breast and ovarian cancer syndrome (HBOC); BRCA1- and BRCA2-Associated Hereditary Breast and Ovarian Cancer; Hereditary breast and ovarian cancer syndrome; Breast and ovarian cancer; Hereditary breast and ovarian cancer; Hereditary breast and/or ovarian cancer syndrome. Identifiers: Orphanet 145, MedGen C0677776, MeSH D061325, MONDO:0003582. Disease mechanism: loss of function.

Submission:

Labcorp Genetics (formerly Invitae), Labcorp
Classification: Uncertain significance for Hereditary breast ovarian cancer syndrome. Last evaluated: 2017-09-16. Review status: criteria provided, single submitter. Criteria: Invitae Variant Classification Sherloc (09022015). Collection method: clinical testing. Allele origin: germline.
Comment: In summary, the available evidence is currently insufficient to determine the role of this variant in disease. Therefore, it has been classified as a Variant of Uncertain Significance. Algorithms developed to predict the effect of missense changes on protein structure and function do not agree on the potential impact of this missense change (SIFT: "Deleterious"; PolyPhen-2: "Possibly Damaging"; Align-GVGD: "Class C0"). This variant has been reported in an individual affected with ovarian cancer (PMID: 18559594). In this individual, an undefined truncating allele was also identified in BRCA1. This variant is also known as 8525 C>T (T2766I) in the literature. This variant is not present in population databases (ExAC no frequency). This sequence change replaces threonine with isoleucine at codon 2766 of the BRCA2 protein (p.Thr2766Ile). The threonine residue is moderately conserved and there is a moderate physicochemical difference between threonine and isoleucine.

Literature cited by the submitters: PubMed 18559594.